The following is an entry in ClinVar:

ClinVar aggregate classification (germline): Uncertain significance (1 of 4 stars; one submission).

Conditions:
Hereditary cancer-predisposing syndrome. Also called: Neoplastic Syndromes, Hereditary; Tumor predisposition; Hereditary Cancer Syndrome; Hereditary neoplastic syndrome. Identifiers: Orphanet 140162, MedGen C0027672, MeSH D009386, MONDO:0015356.

Submission:

Ambry Genetics
Classification: Uncertain significance for Hereditary cancer-predisposing syndrome. Last evaluated: 2026-01-25. Review status: criteria provided, single submitter. Criteria: Ambry Variant Classification Scheme 2023. Collection method: clinical testing. Allele origin: germline.
Comment: The p.I1033M variant (also known as c.3099A>G), located in coding exon 15 of the BLM gene, results from an A to G substitution at nucleotide position 3099. The isoleucine at codon 1033 is replaced by methionine, an amino acid with highly similar properties. This amino acid position is conserved. In addition, this alteration is predicted to be tolerated by in silico analysis. Based on the available evidence, the clinical significance of this variant remains unclear.

NM_000057.4(BLM):c.3099A>G (p.Ile1033Met)

Gene: BLM (BLM RecQ like helicase; plus strand). Cytogenetic location: 15q26.1.
Variant type: single nucleotide variant.
Coding change: c.3099A>G on transcript NM_000057.4 (MANE Select); coding-DNA position 3099, A replaced by G.
Protein change: p.Ile1033Met; replaces isoleucine 1033 with methionine.
Molecular consequence: missense variant.
Genome position (GRCh38, 1-based): chr15:90,794,246, A>G. VCF-style: chr15-90794246-A-G. GRCh37 (hg19) VCF-style: chr15-91337476-A-G.
Other names: c.3099A>G, p.Ile1033Met (NM_001287246.2, NM_001287247.2); c.1974A>G, p.Ile658Met (NM_001287248.2); short protein forms I1033M, I658M.
Identifiers: ClinVar variation 4835945 (VCV004835945.1).